The following is an entry in ClinVar:

ClinVar aggregate classification (germline): Pathogenic (1 of 4 stars; one submission).

Submission:

Labcorp Genetics (formerly Invitae), Labcorp
Classification: Pathogenic. Last evaluated: 2024-03-01. Review status: criteria provided, single submitter. Criteria: Invitae Variant Classification Sherloc (09022015). Collection method: clinical testing. Allele origin: germline.
Comment: This sequence change creates a premature translational stop signal (p.Val958Leufs*22) in the FLNB gene. It is expected to result in an absent or disrupted protein product. Loss-of-function variants in FLNB are known to be pathogenic (PMID: 14991055). This variant is not present in population databases (gnomAD no frequency). This variant has not been reported in the literature in individuals affected with FLNB-related conditions. For these reasons, this variant has been classified as Pathogenic.

Literature cited by the submitters: PubMed 14991055.

NM_001457.4(FLNB):c.2871del (p.Val958fs)

Gene: FLNB (filamin B; plus strand). Cytogenetic location: 3p14.3.
Variant type: Deletion.
Coding change: c.2871del on transcript NM_001457.4 (MANE Select); coding-DNA position 2871, one base deleted (A; older notation c.2871delA).
Protein change: p.Val958fs; shifts the reading frame from valine 958.
Molecular consequence: frameshift variant.
Genome position (GRCh38, 1-based): chr3:58,121,248, A deleted; the last of 2 consecutive A bases (chr3:58,121,247-58,121,248); deleting either gives the same sequence. VCF-style (leftmost placement, unchanged base first): chr3-58121246-GA-G. GRCh37 (hg19) VCF-style: chr3-58106973-GA-G.
Other names: c.2871del, p.Val958fs (NM_001164317.2, NM_001164318.2, NM_001164319.2); short protein forms V958fs.
Identifiers: ClinVar variation 3643953 (VCV003643953.2).